The following is an entry in ClinVar:

ClinVar aggregate classification (germline): Uncertain significance. Review status: criteria provided, multiple submitters, no conflicts (2 of 4 stars). 7 submissions from 7 submitters: Uncertain significance (5). 2 of the submissions do not count toward it. Last evaluated 2025-03-22.

Conditions:
Neuromuscular disease caused by qualitative or quantitative defects of dysferlin. Also called: Qualitative or quantitative defects of dysferlin; Dysferlinopathy. Identifiers: Orphanet 207073, MedGen C2931687, MONDO:0016145.
Inborn genetic diseases. Identifiers: MedGen C0950123, MeSH D030342.
Autosomal recessive limb-girdle muscular dystrophy type 2B (LGMDR2). Also called: MUSCULAR DYSTROPHY, LIMB-GIRDLE, TYPE 3; Limb-girdle muscular dystrophy, type 2B; Limb-Girdle Muscular Dystrophy Type 2B (LGMD2B); MUSCULAR DYSTROPHY, LIMB-GIRDLE, AUTOSOMAL RECESSIVE 2. Identifiers: Orphanet 268, MedGen C1850889, MONDO:0009676, OMIM 253601.

Allele frequency attached by ClinVar (database versions not stated): gnomAD 0.00002; gnomAD exomes 0.00002 and 0.00005; ExAC 0.00003; TOPMed 0.00003.
gnomAD v4.1: 80 of 1,614,042 alleles (0.005%); highest among the groups gnomAD compares: Non-Finnish European, 0.0065%; no homozygotes.

Submissions (7):

Ambry Genetics
Classification: Uncertain significance for Inborn genetic diseases. Last evaluated: 2025-03-22. Review status: criteria provided, single submitter. Criteria: Ambry Variant Classification Scheme 2023. Collection method: clinical testing. Allele origin: germline.

GeneDx
Classification: Uncertain significance. Last evaluated: 2023-02-15. Review status: criteria provided, single submitter. Criteria: GeneDx Variant Classification Process June 2021. Collection method: clinical testing. Allele origin: germline. Affected: yes.
Comment: Not observed at significant frequency in large population cohorts (gnomAD); In silico analysis supports that this missense variant does not alter protein structure/function; Has not been previously published as pathogenic or benign to our knowledge; This variant is associated with the following publications: (PMID: 24438169)

Labcorp Genetics (formerly Invitae), Labcorp
Classification: Uncertain significance for Neuromuscular disease caused by qualitative or quantitative defects of dysferlin. Last evaluated: 2022-04-12. Review status: criteria provided, single submitter. Criteria: Invitae Variant Classification Sherloc (09022015). Collection method: clinical testing. Allele origin: germline.
Comment: This sequence change replaces threonine, which is neutral and polar, with proline, which is neutral and non-polar, at codon 1718 of the DYSF protein (p.Thr1718Pro). This variant is present in population databases (rs746919714, gnomAD 0.005%). This variant has not been reported in the literature in individuals affected with DYSF-related conditions. ClinVar contains an entry for this variant (Variation ID: 290354). Advanced modeling of protein sequence and biophysical properties (such as structural, functional, and spatial information, amino acid conservation, physicochemical variation, residue mobility, and thermodynamic stability) performed at Invitae indicates that this missense variant is not expected to disrupt DYSF protein function. In summary, the available evidence is currently insufficient to determine the role of this variant in disease. Therefore, it has been classified as a Variant of Uncertain Significance.

Mayo Clinic Laboratories, Mayo Clinic
Classification: Uncertain significance. Last evaluated: 2022-01-03. Review status: criteria provided, single submitter. Criteria: ACMG Guidelines, 2015. Collection method: clinical testing. Allele origin: germline.

Eurofins Ntd Llc (ga)
Classification: Uncertain significance. Last evaluated: 2016-08-23. Review status: criteria provided, single submitter. Criteria: EGL Classification Definitions 2015. Collection method: clinical testing. Allele origin: germline. Observed: 1 variant allele, 1 heterozygote.

Zotz-Klimas Genetics Lab, MVZ Zotz Klimas
Classification: Uncertain significance for Autosomal recessive limb-girdle muscular dystrophy type 2B. Last evaluated: 2023-11-24. Review status: no assertion criteria provided. Collection method: clinical testing. Allele origin: germline. Affected: yes. Not counted in ClinVar's aggregate classification.

Natera, Inc.
Classification: Uncertain significance for Limb-girdle muscular dystrophy type 2B. Last evaluated: 2021-01-11. Review status: no assertion criteria provided. Collection method: clinical testing. Allele origin: germline. Not counted in ClinVar's aggregate classification.

NM_001130987.2(DYSF):c.5269A>C (p.Thr1757Pro)

Gene: DYSF (dysferlin; plus strand). Cytogenetic location: 2p13.2.
Variant type: single nucleotide variant.
Coding change: c.5269A>C on transcript NM_001130987.2 (MANE Select); coding-DNA position 5269, A replaced by C.
Protein change: p.Thr1757Pro; replaces threonine 1757 with proline.
Molecular consequence: missense variant.
Genome position (GRCh38, 1-based): chr2:71,665,256, A>C. VCF-style: chr2-71665256-A-C. GRCh37 (hg19) VCF-style: chr2-71892386-A-C.
Other names: p.Thr1718Pro; c.5155A>C, p.Thr1719Pro (NM_001130455.2); c.5110A>C, p.Thr1704Pro (NM_001130976.2); c.5173A>C, p.Thr1725Pro (NM_001130977.2); c.5215A>C, p.Thr1739Pro (NM_001130978.2); c.5245A>C, p.Thr1749Pro (NM_001130979.2); c.5203A>C, p.Thr1735Pro (NM_001130980.2); c.5266A>C, p.Thr1756Pro (NM_001130981.2); and 6 more; short protein forms T1718P, T1757P, T1719P, T1736P, T1740P, T1705P, T1725P, T1749P.
Identifiers: ClinVar variation 290354 (VCV000290354.13), dbSNP rs746919714, ClinGen allele CA1707307.